The following is an entry in ClinVar:

NM_203446.3(SYNJ1):c.*668A>C

Gene: SYNJ1 (synaptojanin 1; minus strand). Cytogenetic location: 21q22.11.
Variant type: single nucleotide variant.
Coding change: c.*668A>C on transcript NM_203446.3 (MANE Select); 668 bases downstream of the stop codon, A replaced by C.
Molecular consequence: 3 prime UTR variant. On other transcripts: missense variant (2).
Genome position (GRCh38, 1-based): chr21:32,631,137, T>G on the plus strand (A>C on the coding strand, the complement: SYNJ1 is on the minus strand). VCF-style: chr21-32631137-T-G. GRCh37 (hg19) VCF-style: chr21-34003447-T-G.
Other names: c.*668A>C (NM_001160302.2); c.4439A>C, p.Asn1480Thr (NM_001160306.2); c.4697A>C, p.Asn1566Thr (NM_003895.4); short protein forms N1480T, N1566T.
Identifiers: ClinVar variation 1025546 (VCV001025546.11), dbSNP rs2039305821, ClinGen allele CA410081007.
Genomic context (GRCh38, chr21:32,631,137, plus strand): 5'-GGGAGCAGAGGGACAGGAGGTGGAGGAGGTCTTCTTGACGGCAACACACAGAAGGAGACA[T>G]TTGTACCTTTATTCCAGTCATCATTCAATGTCAGGTTGGAGCCAGAAAATGAACTTGGCT-3'

ClinVar aggregate classification (germline): Uncertain significance (1 of 4 stars; one submission).

Conditions:
Developmental and epileptic encephalopathy, 53. Also called: Epileptic encephalopathy, early infantile, 53. Identifiers: MedGen C4479313, MONDO:0033362, OMIM 617389.
Early-onset Parkinson disease 20. Also called: PARKINSON DISEASE 20, AUTOSOMAL RECESSIVE EARLY-ONSET. Identifiers: Orphanet 391411, MedGen C3809824, MONDO:0014233, OMIM 615530.

Submission:

Labcorp Genetics (formerly Invitae), Labcorp
Classification: Uncertain significance for Developmental and epileptic encephalopathy, 53; Early-onset Parkinson disease 20. Last evaluated: 2022-08-15. Review status: criteria provided, single submitter. Criteria: Invitae Variant Classification Sherloc (09022015). Collection method: clinical testing. Allele origin: germline.
Comment: In summary, the available evidence is currently insufficient to determine the role of this variant in disease. Therefore, it has been classified as a Variant of Uncertain Significance. Algorithms developed to predict the effect of missense changes on protein structure and function output the following: SIFT: "Tolerated"; PolyPhen-2: "Benign"; Align-GVGD: "Class C0". The threonine amino acid residue is found in multiple mammalian species, which suggests that this missense change does not adversely affect protein function. ClinVar contains an entry for this variant (Variation ID: 1025546). This variant has not been reported in the literature in individuals affected with SYNJ1-related conditions. This variant is not present in population databases (gnomAD no frequency). This sequence change replaces asparagine, which is neutral and polar, with threonine, which is neutral and polar, at codon 1566 of the SYNJ1 protein (p.Asn1566Thr).